The following is an entry in ClinVar:

ClinVar aggregate classification (germline): Uncertain significance (1 of 4 stars; one submission).

Conditions:
Brugada syndrome 7 (BRGDA7). Identifiers: Orphanet 130, MedGen C2751088, MONDO:0013146, OMIM 613120.

Allele frequency attached by ClinVar (database versions not stated): gnomAD 0.00001; gnomAD exomes 0.00001; TOPMed 0.00001.
gnomAD v4.1: 15 of 1,614,058 alleles (0.00093%); highest among the groups gnomAD compares: Non-Finnish European, 0.0013%; no homozygotes.

Submission:

Labcorp Genetics (formerly Invitae), Labcorp
Classification: Uncertain significance for Brugada syndrome 7. Last evaluated: 2022-06-20. Review status: criteria provided, single submitter. Criteria: Invitae Variant Classification Sherloc (09022015). Collection method: clinical testing. Allele origin: germline.
Comment: This variant has not been reported in the literature in individuals affected with SCN3B-related conditions. In summary, the available evidence is currently insufficient to determine the role of this variant in disease. Therefore, it has been classified as a Variant of Uncertain Significance. Algorithms developed to predict the effect of missense changes on protein structure and function (SIFT, PolyPhen-2, Align-GVGD) all suggest that this variant is likely to be tolerated. The frequency data for this variant in the population databases is considered unreliable, as metrics indicate poor data quality at this position in the gnomAD database. This sequence change replaces lysine, which is basic and polar, with arginine, which is basic and polar, at codon 136 of the SCN3B protein (p.Lys136Arg).

NM_001040151.2(SCN3B):c.407A>G (p.Lys136Arg)

Gene: SCN3B (sodium voltage-gated channel beta subunit 3; minus strand). Cytogenetic location: 11q24.1.
Variant type: single nucleotide variant.
Coding change: c.407A>G on transcript NM_001040151.2 (MANE Select); coding-DNA position 407, A replaced by G.
Protein change: p.Lys136Arg; replaces lysine 136 with arginine.
Molecular consequence: missense variant.
Genome position (GRCh38, 1-based): chr11:123,642,484, T>C on the plus strand (A>G on the coding strand, the complement: SCN3B is on the minus strand). VCF-style: chr11-123642484-T-C. GRCh37 (hg19) VCF-style: chr11-123513192-T-C.
Other names: c.407A>G, p.Lys136Arg (NM_018400.4); short protein forms K136R.
Identifiers: ClinVar variation 2196926 (VCV002196926.4), dbSNP rs1445384345, ClinGen allele CA383071284.